The following is an entry in ClinVar:

ClinVar aggregate classification (germline): Benign. Review status: criteria provided, multiple submitters, no conflicts (2 of 4 stars). 2 submissions from 2 submitters: Benign (2). Last evaluated 2018-01-13.

Conditions:
Ellis-van Creveld syndrome (EVC). Also called: EVC-Related Ellis-van Creveld Syndrome; EVC2-Related Ellis-van Creveld Syndrome; MESOECTODERMAL DYSPLASIA; Chondroectodermal dysplasia. Identifiers: Orphanet 289, MedGen C0013903, MONDO:0009162, OMIM 225500.

Allele frequency attached by ClinVar (database versions not stated): 1000 Genomes Project 30x 0.38086; 1000 Genomes Project 0.38518; TOPMed 0.40105; gnomAD 0.41663; gnomAD exomes 0.50000.
gnomAD v4.1: 63,328 of 152,044 alleles (42%); highest among the groups gnomAD compares: South Asian, 47%; 13,449 homozygotes.

Submissions (2):

Illumina Laboratory Services, Illumina
Classification: Benign for Ellis-van Creveld syndrome. Last evaluated: 2018-01-13. Review status: criteria provided, single submitter. Criteria: ICSL Variant Classification Criteria 13 December 2019. Collection method: clinical testing. Allele origin: germline.
Comment: This variant was observed in the ICSL laboratory as part of a predisposition screen in an ostensibly healthy population. It had not been previously curated by ICSL or reported in the Human Gene Mutation Database (HGMD: prior to June 1st, 2018), and was therefore a candidate for classification through an automated scoring system. Utilizing variant allele frequency, disease prevalence and penetrance estimates, and inheritance mode, an automated score was calculated to assess if this variant is too frequent to cause the disease. Based on the score and internal cut-off values, a variant classified as benign is not then subjected to further curation. The score for this variant resulted in a classification of benign for this disease.

Breakthrough Genomics
Classification: Benign. Review status: criteria provided, single submitter. Criteria: ACMG Guidelines, 2015. Collection method: not provided. Allele origin: germline. Inheritance: Autosomal recessive inheritance. Affected: yes.

NM_153717.3(EVC):c.*2713C>T

Gene: EVC (EvC ciliary complex subunit 1; plus strand). Cytogenetic location: 4p16.2.
Variant type: single nucleotide variant.
Coding change: c.*2713C>T on transcript NM_153717.3 (MANE Select); 2713 bases downstream of the stop codon, C replaced by T.
Molecular consequence: 3 prime UTR variant.
Genome position (GRCh38, 1-based): chr4:5,813,750, C>T. VCF-style: chr4-5813750-C-T. GRCh37 (hg19) VCF-style: chr4-5815477-C-T.
Other names: c.*2713C>T (NM_001306090.2).
Identifiers: ClinVar variation 349280 (VCV000349280.6), dbSNP rs3733188, ClinGen allele CA10621432.
Genomic context (GRCh38, chr4:5,813,750, plus strand): 5'-TCTGAGAAGGCTCCCGGCTGCCTCCCCGCCACCGAGCTTGTAGCCTGAATGCCTGGCTGT[C>T]GCATGGAGCATTTTGCTTCTGGGGTGTCTTCCTTAGCCAAAGGGAACGTGTCATTTGCTC-3'